The following is an entry in ClinVar:

NM_015665.6(AAAS):c.1448del (p.Pro483fs)

Gene: AAAS (aladin WD repeat nucleoporin; minus strand). Cytogenetic location: 12q13.13.
Variant type: Deletion.
Coding change: c.1448del on transcript NM_015665.6 (MANE Select); coding-DNA position 1448, one base deleted (C; older notation c.1448delC).
Protein change: p.Pro483fs; shifts the reading frame from proline 483.
Molecular consequence: frameshift variant.
Genome position (GRCh38, 1-based): chr12:53,307,682, G deleted on the plus strand (C on the coding strand, the reverse complement: AAAS is on the minus strand); the first of 3 consecutive G bases (chr12:53,307,682-53,307,684); deleting any one gives the same sequence. VCF-style (leftmost placement, unchanged base first): chr12-53307681-CG-C. GRCh37 (hg19) VCF-style: chr12-53701465-CG-C.
Other names: c.1349del, p.Pro450fs (NM_001173466.2); short protein forms P450fs, P483fs.
Identifiers: ClinVar variation 1709981 (VCV001709981.2), dbSNP rs759896582, ClinGen allele CA6598829.

ClinVar aggregate classification (germline): Uncertain significance (1 of 4 stars; one submission).

Conditions:
Glucocorticoid deficiency with achalasia (AAAS). Also called: Achalasia-addisonianism-alacrimia syndrome; Addisonian achalasia syndrome; AAA syndrome; Allgrove syndrome; Alacrima-achalasia-addisonianism; ACTH-resistant adrenal insufficiency, achalasia and alacrima. Identifiers: Orphanet 869, MedGen C0271742, MONDO:0009279, OMIM 231550.

Submission:

MGZ Medical Genetics Center
Classification: Uncertain significance for Glucocorticoid deficiency with achalasia. Last evaluated: 2021-09-14. Review status: criteria provided, single submitter. Criteria: ACMG Guidelines, 2015. Collection method: clinical testing. Allele origin: germline. Affected: yes. Observed: 1 variant allele.
Comment: ACMG criteria applied: PM4, PM2_SUP